The following is an entry in ClinVar:

ClinVar aggregate classification (germline): Likely benign. Review status: criteria provided, multiple submitters, no conflicts (2 of 4 stars). 3 submissions from 3 submitters: Likely benign (3). Last evaluated 2025-11-10.

Conditions:
Cardiovascular phenotype. Identifiers: MedGen CN230736.
X-linked myopathy with postural muscle atrophy. Also called: FHL1-Related Emery-Dreifuss Muscular Dystrophy, X-Linked. Identifiers: Orphanet 178461, MedGen C2678055, MONDO:0010401, OMIM 300696.

Allele frequency attached by ClinVar (database versions not stated): gnomAD exomes 0.00002 and 0.00006; TOPMed 0.00002.
gnomAD v4.1: 61 of 1,211,639 alleles (0.005%); highest among the groups gnomAD compares: Non-Finnish European, 0.0065%; no homozygotes.

Submissions (3):

Labcorp Genetics (formerly Invitae), Labcorp
Classification: Likely benign for X-linked myopathy with postural muscle atrophy. Last evaluated: 2025-11-10. Review status: criteria provided, single submitter. Criteria: Invitae Variant Classification Sherloc (09022015). Collection method: clinical testing. Allele origin: germline.

CeGaT Center for Human Genetics Tuebingen
Classification: Likely benign. Last evaluated: 2024-02-01. Review status: criteria provided, single submitter. Criteria: CeGaT Center For Human Genetics Tuebingen Variant Classification Criteria Version 2. Collection method: clinical testing. Allele origin: germline. Affected: yes. Observed: 1 variant allele.
Comment: FHL1: BP4

Ambry Genetics
Classification: Likely benign for Cardiovascular phenotype. Last evaluated: 2019-08-22. Review status: criteria provided, single submitter. Criteria: Ambry Variant Classification Scheme 2023. Collection method: clinical testing. Allele origin: germline.

NM_001159699.2(FHL1):c.612T>C (p.Cys204=)

Gene: FHL1 (four and a half LIM domains 1; plus strand). Cytogenetic location: Xq26.3.
Variant type: single nucleotide variant.
Coding change: c.612T>C on transcript NM_001159699.2 (MANE Select); coding-DNA position 612, T replaced by C.
Protein change: p.Cys204=; no amino-acid change (cysteine 204 retained).
Molecular consequence: synonymous variant. On other transcripts: non-coding transcript variant (1), intron variant (2).
Genome position (GRCh38, 1-based): chrX:136,208,517, T>C. VCF-style: chrX-136208517-T-C. GRCh37 (hg19) VCF-style: chrX-135290676-T-C.
Other names: c.564T>C, p.Cys188= (NM_001159700.2, NM_001159702.3, NM_001159704.1 and 8 more transcripts); c.651T>C, p.Cys217= (NM_001159701.2); c.501+556T>C (NM_001159703.2); c.549+556T>C (NM_001330659.2).
Identifiers: ClinVar variation 416095 (VCV000416095.34), dbSNP rs752193492, ClinGen allele CA16616453.